The following is an entry in ClinVar:

ClinVar aggregate classification (germline): Uncertain significance. Review status: criteria provided, multiple submitters, no conflicts (2 of 4 stars). 2 submissions from 2 submitters: Uncertain significance (2). Last evaluated 2019-04-23.

Allele frequency attached by ClinVar (database versions not stated): gnomAD 0.00001; gnomAD exomes 0.00001; TOPMed 0.00001.
gnomAD v4.1: 4 of 1,613,728 alleles (0.00025%); highest among the groups gnomAD compares: African/African-American, 0.0013%; no homozygotes.

Submissions (2):

GeneDx
Classification: Uncertain significance. Last evaluated: 2019-04-23. Review status: criteria provided, single submitter. Criteria: GeneDx Variant Classification Process June 2021. Collection method: clinical testing. Allele origin: germline. Affected: yes.
Comment: Not observed in large population cohorts (Lek et al., 2016); In silico analysis, which includes protein predictors and evolutionary conservation, supports a deleterious effect; Has not been previously published as pathogenic or benign to our knowledge; Reported in ClinVar but additional evidence is not available (ClinVar Variant ID# 624232; Landrum et al., 2016)

CeGaT Center for Human Genetics Tuebingen
Classification: Uncertain significance. Last evaluated: 2018-08-01. Review status: criteria provided, single submitter. Criteria: CeGaT Center For Human Genetics Tuebingen Variant Classification Criteria Version 2. Collection method: clinical testing. Allele origin: germline. Affected: yes. Observed: 3 variant alleles.

NM_001365276.2(TNXB):c.9260T>C (p.Phe3087Ser)

Gene: TNXB (tenascin XB; minus strand). Cytogenetic location: 6p21.33.
Variant type: single nucleotide variant.
Coding change: c.9260T>C on transcript NM_001365276.2 (MANE Select); coding-DNA position 9260, T replaced by C.
Protein change: p.Phe3087Ser; replaces phenylalanine 3087 with serine.
Molecular consequence: missense variant.
Genome position (GRCh38, 1-based): chr6:32,050,177, A>G on the plus strand (T>C on the coding strand, the complement: TNXB is on the minus strand). VCF-style: chr6-32050177-A-G. GRCh37 (hg19) VCF-style: chr6-32017954-A-G.
Other names: c.9254T>C, p.Phe3085Ser (NM_019105.8); short protein forms F3085S, F3087S.
Identifiers: ClinVar variation 624232 (VCV000624232.45), dbSNP rs1045456660, ClinGen allele CA136901172.